The following is an entry in ClinVar:

NM_001113378.2(FANCI):c.3064G>T (p.Ala1022Ser)

Gene: FANCI (FA complementation group I; plus strand). Cytogenetic location: 15q26.1.
Variant type: single nucleotide variant.
Coding change: c.3064G>T on transcript NM_001113378.2 (MANE Select); coding-DNA position 3064, G replaced by T.
Protein change: p.Ala1022Ser; replaces alanine 1022 with serine.
Molecular consequence: missense variant.
Genome position (GRCh38, 1-based): chr15:89,305,120, G>T. VCF-style: chr15-89305120-G-T. GRCh37 (hg19) VCF-style: chr15-89848351-G-T.
Other names: c.2785G>T, p.Ala929Ser (NM_001376910.1); c.3064G>T, p.Ala1022Ser (NM_001376911.1); c.2884G>T, p.Ala962Ser (NM_018193.3); short protein forms A1022S, A929S, A962S.
Identifiers: ClinVar variation 952224 (VCV000952224.7), dbSNP rs1359308008, ClinGen allele CA393738977.

ClinVar aggregate classification (germline): Uncertain significance (1 of 4 stars; one submission).

Conditions:
Fanconi anemia (FA). Also called: Fanconi's anemia. Identifiers: Orphanet 84, MedGen C0015625, MeSH D005199, MONDO:0019391.

Allele frequency attached by ClinVar (database versions not stated): gnomAD exomes below 0.00001.
gnomAD v4.1: 4 of 1,614,134 alleles (0.00025%); highest among the groups gnomAD compares: South Asian, 0.0044%; no homozygotes.

Submission:

Labcorp Genetics (formerly Invitae), Labcorp
Classification: Uncertain significance for Fanconi anemia. Last evaluated: 2022-01-27. Review status: criteria provided, single submitter. Criteria: Invitae Variant Classification Sherloc (09022015). Collection method: clinical testing. Allele origin: germline.
Comment: This sequence change replaces alanine, which is neutral and non-polar, with serine, which is neutral and polar, at codon 1022 of the FANCI protein (p.Ala1022Ser). This variant is present in population databases (no rsID available, gnomAD 0.003%). This variant has not been reported in the literature in individuals affected with FANCI-related conditions. ClinVar contains an entry for this variant (Variation ID: 952224). Algorithms developed to predict the effect of missense changes on protein structure and function (SIFT, PolyPhen-2, Align-GVGD) all suggest that this variant is likely to be tolerated. In summary, the available evidence is currently insufficient to determine the role of this variant in disease. Therefore, it has been classified as a Variant of Uncertain Significance.